The following is an entry in ClinVar:

NM_000059.4(BRCA2):c.4024A>G (p.Ser1342Gly)

Gene: BRCA2 (BRCA2 DNA repair associated; plus strand). Cytogenetic location: 13q13.1.
Variant type: single nucleotide variant.
Coding change: c.4024A>G on transcript NM_000059.4 (MANE Select); coding-DNA position 4024, A replaced by G.
Protein change: p.Ser1342Gly; replaces serine 1342 with glycine.
Molecular consequence: missense variant.
Genome position (GRCh38, 1-based): chr13:32,338,379, A>G. VCF-style: chr13-32338379-A-G. GRCh37 (hg19) VCF-style: chr13-32912516-A-G.
Other names: short protein forms S1342G.
Identifiers: ClinVar variation 409576 (VCV000409576.29), dbSNP rs1060502476, ClinGen allele CA16614147.
Genomic context (GRCh38, chr13:32,338,379, plus strand): 5'-AACAAATATACTGCTGCCAGTAGAAATTCTCATAACTTAGAATTTGATGGCAGTGATTCA[A>G]GTAAAAATGATACTGTTTGTATTCATAAAGATGAAACGGACTTGCTATTTACTGATCAGC-3'
Protein context (NP_000050.3, residues 1332-1352): HNLEFDGSDS[Ser1342Gly]KNDTVCIHKD

ClinVar aggregate classification (germline): Conflicting classifications of pathogenicity. Review status: criteria provided, conflicting classifications (1 of 4 stars). 7 submissions from 7 submitters: Uncertain significance (4); Likely benign (2). 1 of the submissions does not count toward it. Last evaluated 2025-08-14.

Conditions:
Hereditary breast ovarian cancer syndrome. Also called: Hereditary breast and ovarian cancer syndrome; Hereditary breast and/or ovarian cancer syndrome; BRCA1- and BRCA2-Associated Hereditary Breast and Ovarian Cancer; Hereditary breast and ovarian cancer syndrome (HBOC); Hereditary breast and ovarian cancer; Breast and ovarian cancer. Identifiers: Orphanet 145, MedGen C0677776, MeSH D061325, MONDO:0003582. Disease mechanism: loss of function.
Breast-ovarian cancer, familial, susceptibility to, 2 (BROVCA2). Also called: BRCA2 Hereditary Breast and Ovarian Cancer. Identifiers: Orphanet 145, MedGen C2675520, MONDO:0012933, OMIM 612555. Disease mechanism: loss of function.
Hereditary cancer-predisposing syndrome. Also called: Hereditary neoplastic syndrome; Neoplastic Syndromes, Hereditary; Tumor predisposition; Hereditary Cancer Syndrome. Identifiers: Orphanet 140162, MedGen C0027672, MeSH D009386, MONDO:0015356.

Allele frequency attached by ClinVar (database versions not stated): gnomAD exomes below 0.00001.

Submissions (7):

Quest Diagnostics Nichols Institute San Juan Capistrano
Classification: Uncertain significance. Last evaluated: 2025-08-14. Review status: criteria provided, single submitter. Criteria: Quest Diagnostics criteria. Collection method: clinical testing. Allele origin: unknown.
Comment: The BRCA2 c.4024A>G (p.Ser1342Gly) variant has been reported in the published literature in an individual with breast cancer (PMID: 25186627 (2015)) as well as in a reportedly unaffected individual (PMID: 33471991 (2021), see also LOVD). This variant is also reported to be located in a region of the BRCA2 gene that is tolerant to missense sequence changes (PMID: 31911673 (2020)). This variant has not been reported in large, multi-ethnic general populations (Genome Aggregation Database). Analysis of this variant using bioinformatics tools for the prediction of the effect of amino acid changes on protein structure and function yielded predictions that this variant is benign. Additional analysis using software algorithms for the prediction of the effect of nucleotide changes on BRCA2 mRNA splicing yielded predictions that this variant may result in the gain of a cryptic splice site without affecting the natural splice sites (Alamut Visual). Based on the available information, we are unable to determine the clinical significance of this variant.

Labcorp Genetics (formerly Invitae), Labcorp
Classification: Uncertain significance for Hereditary breast ovarian cancer syndrome. Last evaluated: 2025-03-27. Review status: criteria provided, single submitter. Criteria: Invitae Variant Classification Sherloc (09022015). Collection method: clinical testing. Allele origin: germline.
Comment: This sequence change replaces serine, which is neutral and polar, with glycine, which is neutral and non-polar, at codon 1342 of the BRCA2 protein (p.Ser1342Gly). This variant is not present in population databases (gnomAD no frequency). This variant has not been reported in the literature in individuals affected with BRCA2-related conditions. ClinVar contains an entry for this variant (Variation ID: 409576). Invitae Evidence Modeling of protein sequence and biophysical properties (such as structural, functional, and spatial information, amino acid conservation, physicochemical variation, residue mobility, and thermodynamic stability) indicates that this missense variant is not expected to disrupt BRCA2 protein function with a negative predictive value of 95%. In summary, the available evidence is currently insufficient to determine the role of this variant in disease. Therefore, it has been classified as a Variant of Uncertain Significance.

Ambry Genetics
Classification: Likely benign for Hereditary cancer-predisposing syndrome. Last evaluated: 2024-12-06. Review status: criteria provided, single submitter. Criteria: Ambry Variant Classification Scheme 2023. Collection method: clinical testing. Allele origin: germline.

University of Washington Department of Laboratory Medicine, University of Washington
Classification: Likely benign for Hereditary cancer-predisposing syndrome. Last evaluated: 2023-03-23. Review status: criteria provided, single submitter. Criteria: Dines et al. (Genet Med. 2020). Collection method: curation. Allele origin: germline.
Comment: Missense variant in a coldspot region where missense variants are very unlikely to be pathogenic (PMID:31911673).

BRCA2 exon 11 coldspot. Reclassification based on statistical prior probability.

GeneDx
Classification: Uncertain significance. Last evaluated: 2023-03-03. Review status: criteria provided, single submitter. Criteria: GeneDx Variant Classification Process June 2021. Collection method: clinical testing. Allele origin: germline. Affected: yes.
Comment: Observed in individuals referred for hereditary cancer testing (Li et al., 2020); In silico analysis supports that this missense variant does not alter protein structure/function; Not observed at significant frequency in large population cohorts (gnomAD); Also known as 4252A>G; This variant is associated with the following publications: (PMID: 31131967, 29884841, 32377563, 31853058)

Color Diagnostics, LLC DBA Color Health
Classification: Uncertain significance for Hereditary cancer-predisposing syndrome. Last evaluated: 2021-01-12. Review status: criteria provided, single submitter. Criteria: ACMG Guidelines, 2015. Collection method: clinical testing. Allele origin: germline.
Comment: This missense variant replaces serine with glycine at codon 1342 of the BRCA2 protein. Computational prediction suggests that this variant may not impact protein structure and function (internally defined REVEL score threshold <= 0.5, PMID: 27666373). To our knowledge, functional studies have not been reported for this variant. This variant has been reported in individuals affected with breast cancer (PMID: 25186627). This variant has not been identified in the general population by the Genome Aggregation Database (gnomAD). The available evidence is insufficient to determine the role of this variant in disease conclusively. Therefore, this variant is classified as a Variant of Uncertain Significance.

Counsyl
Classification: Uncertain significance for Breast-ovarian cancer, familial, susceptibility to, 2. Last evaluated: 2017-09-29. Review status: no assertion criteria provided. Collection method: clinical testing. Allele origin: unknown. Not counted in ClinVar's aggregate classification.

Literature cited by the submitters: PubMed 31911673 (cited by Quest Diagnostics Nichols Institute San Juan Capistrano); PubMed 25186627 (cited by Quest Diagnostics Nichols Institute San Juan Capistrano and Ambry Genetics); PubMed 33471991 (cited by Quest Diagnostics Nichols Institute San Juan Capistrano).